The following is an entry in ClinVar:

NM_004385.5(VCAN):c.5713G>A (p.Glu1905Lys)

Genes: VCAN (versican; plus strand), VCAN-AS1 (VCAN antisense RNA 1; minus strand). Cytogenetic location: 5q14.3.
Variant type: single nucleotide variant.
Coding change: c.5713G>A on transcript NM_004385.5 (MANE Select); coding-DNA position 5713, G replaced by A.
Protein change: p.Glu1905Lys; replaces glutamic acid 1905 with lysine.
Molecular consequence: missense variant. On other transcripts: intron variant (2).
Genome position (GRCh38, 1-based): chr5:83,538,716, G>A. VCF-style: chr5-83538716-G-A. GRCh37 (hg19) VCF-style: chr5-82834535-G-A.
Other names: c.2752G>A, p.Glu918Lys (NM_001164097.2); c.4004-6821G>A (NM_001164098.2); c.1043-6821G>A (NM_001126336.3); short protein forms E918K, E1905K.
Identifiers: ClinVar variation 3695938 (VCV003695938.2).
Genomic context (GRCh38, chr5:83,538,716, plus strand): 5'-CTGGTTTTGAGTACAGTAATGGACAGAGTAGTTGCTGAAAATATAACCCAAACATCCAGG[G>A]AAATAGTGATTTCAGAGCGATTAGGAGAACCAAATTATGGGGCAGAAATAAGGGGCTTTT-3'
Protein context (NP_004376.2, residues 1895-1915): VAENITQTSR[Glu1905Lys]IVISERLGEP

ClinVar aggregate classification (germline): Uncertain significance (1 of 4 stars; one submission).

gnomAD v4.1: 1 of 1,613,902 alleles (0.000062%); highest among the groups gnomAD compares: Non-Finnish European, 0.000085%; no homozygotes.

Submission:

Labcorp Genetics (formerly Invitae), Labcorp
Classification: Uncertain significance. Last evaluated: 2024-06-19. Review status: criteria provided, single submitter. Criteria: Invitae Variant Classification Sherloc (09022015). Collection method: clinical testing. Allele origin: germline.
Comment: This sequence change replaces glutamic acid, which is acidic and polar, with lysine, which is basic and polar, at codon 1905 of the VCAN protein (p.Glu1905Lys). This variant is not present in population databases (gnomAD no frequency). This variant has not been reported in the literature in individuals affected with VCAN-related conditions. Algorithms developed to predict the effect of missense changes on protein structure and function output the following: SIFT: "Not Available"; PolyPhen-2: "Benign"; Align-GVGD: "Not Available". The lysine amino acid residue is found in multiple mammalian species, which suggests that this missense change does not adversely affect protein function. In summary, the available evidence is currently insufficient to determine the role of this variant in disease. Therefore, it has been classified as a Variant of Uncertain Significance.